The following is an entry in ClinVar:

NM_013275.6(ANKRD11):c.1385_1388del (p.Thr462fs)

Gene: ANKRD11 (ankyrin repeat domain 11; minus strand). Cytogenetic location: 16q24.3.
Variant type: Deletion.
Coding change: c.1385_1388del on transcript NM_013275.6 (MANE Select); coding-DNA positions 1385 to 1388, 4 bases deleted (CAAA; older notation c.1385_1388delCAAA).
Protein change: p.Thr462fs; shifts the reading frame from threonine 462.
Molecular consequence: frameshift variant.
Genome position (GRCh38, 1-based): chr16:89,285,154-89,285,157, TTTG deleted on the plus strand (CAAA on the coding strand, the reverse complement: ANKRD11 is on the minus strand); deleting any 4 consecutive bases within chr16:89,285,154-89,285,160 gives the same sequence; the c. name uses the placement nearest the transcript's 3' end. VCF-style (leftmost placement, unchanged base first): chr16-89285153-TTTTG-T. GRCh37 (hg19) VCF-style: chr16-89351561-TTTTG-T.
Other names: c.1385_1388del, p.Thr462fs (NM_001256182.2, NM_001256183.2); c.1385_1388delCAAA (NM_013275.5); short protein forms T462fs.
Identifiers: ClinVar variation 981705 (VCV000981705.10), dbSNP rs2034559427, ClinGen allele CA1139664898.

ClinVar aggregate classification (germline): Pathogenic. Review status: criteria provided, multiple submitters, no conflicts (2 of 4 stars). 6 submissions from 6 submitters: Pathogenic (4). 2 of the submissions do not count toward it. Last evaluated 2025-10-13.

Conditions:
KBG syndrome (KBGS). Also called: ANKRD11-Related KBG Syndrome. Identifiers: Orphanet 2332, MedGen C0220687, MONDO:0007846, OMIM 148050.
ANKRD11-related disorder. Also called: ANKRD11-related condition.

Submissions (6):

Institute of Human Genetics, University of Leipzig Medical Center
Classification: Pathogenic for KBG syndrome. Last evaluated: 2025-10-13. Review status: criteria provided, single submitter. Criteria: ACMG Guidelines, 2015. Collection method: clinical testing. Allele origin: unknown. Inheritance: Autosomal dominant inheritance. Affected: yes.
Comment: Criteria applied: PVS1,PS2_MOD,PS4_MOD,PM2

New York Genome Center
Classification: Pathogenic for KBG syndrome. Last evaluated: 2024-02-16. Review status: criteria provided, single submitter. Criteria: NYGC Assertion Criteria 2020. Collection method: clinical testing. Allele origin: de novo. Affected: yes. Observed: 1 variant allele, 1 heterozygote.
Comment: The c.1385_1388del variant has been classified as Pathogenic by multiple submitters in ClinVar [Variation ID: 981705] and is absent from population databases (gnomAD v4.0.0, TOPMed Freeze 10, All of Us), suggesting it is not a common benign variant in the populations represented in those databases. The c.1385_1388del variant is located in exon 9 of this 13-exon gene,is predicted to shift the wild-type translational reading frame and incorporate a premature translation termination codon [p.(Thr462LysfsTer47)], which is expected to result in loss-of-function either through protein truncation or nonsense-mediated mRNA decay. Based on available evidence, this heterozygous de novo c.1385_1388del p.(Thr462LysfsTer47) variant identified in ANKRD11 is classified as Pathogenic.

Blueprint Genetics
Classification: Pathogenic for ANKRD11-related disorders. Last evaluated: 2023-11-21. Review status: criteria provided, single submitter. Criteria: ACMG Guidelines, 2015. Collection method: clinical testing. Allele origin: germline. Affected: yes. Observed: 1 variant allele.

GeneDx
Classification: Pathogenic. Last evaluated: 2022-12-05. Review status: criteria provided, single submitter. Criteria: GeneDx Variant Classification Process June 2021. Collection method: clinical testing. Allele origin: germline. Affected: yes.
Comment: Frameshift variant predicted to result in protein truncation or nonsense mediated decay in a gene for which loss-of-function is a known mechanism of disease; Not observed in large population cohorts (gnomAD); This variant is associated with the following publications: (PMID: 34971082, 25473036, 31703437, 32124548)

PreventionGenetics, part of Exact Sciences
Classification: Pathogenic for ANKRD11-related condition. Last evaluated: 2024-03-14. Review status: no assertion criteria provided. Collection method: clinical testing. Allele origin: germline. Not counted in ClinVar's aggregate classification.
Comment: The ANKRD11 c.1385_1388delCAAA variant is predicted to result in a frameshift and premature protein termination (p.Thr462Lysfs*47). This variant has been reported as a de novo variant in at least one individual with KBG syndrome (Soden et al. 2014. PubMed ID: 25473036; Gnazzo et al. 2020. PubMed ID: 32124548; Digilio et al. 2021. PubMed ID: 34971082). This variant has not been reported in a large population database, indicating this variant is rare. This variant is interpreted as pathogenic.

Autoinflammatory diseases unit, CHU de Montpellier
Classification: Pathogenic for KBG syndrome. Last evaluated: 2019-02-27. Review status: no assertion criteria provided. Collection method: clinical testing. Allele origin: de novo. Affected: yes. Not counted in ClinVar's aggregate classification.

Literature cited by the submitters: PubMed 25473036 (cited by New York Genome Center); PubMed 32124548 (cited by New York Genome Center); PubMed 34971082 (cited by New York Genome Center).